The following is an entry in ClinVar:

NM_020461.4(TUBGCP6):c.2560G>C (p.Ala854Pro)

Gene: TUBGCP6 (tubulin gamma complex component 6; minus strand). Cytogenetic location: 22q13.33.
Variant type: single nucleotide variant.
Coding change: c.2560G>C on transcript NM_020461.4 (MANE Select); coding-DNA position 2560, G replaced by C.
Protein change: p.Ala854Pro; replaces alanine 854 with proline.
Molecular consequence: missense variant.
Genome position (GRCh38, 1-based): chr22:50,221,799, C>G on the plus strand (G>C on the coding strand, the complement: TUBGCP6 is on the minus strand). VCF-style: chr22-50221799-C-G. GRCh37 (hg19) VCF-style: chr22-50660228-C-G.
Other names: short protein forms A854P.
Identifiers: ClinVar variation 1945229 (VCV001945229.4), dbSNP rs2064528094, ClinGen allele CA412097468.
Genomic context (GRCh38, chr22:50,221,799, plus strand): 5'-CTGCTAGAGGCTTAAGGGGCTGTGGGGTCAGCAGGCCTGGCCTGTTCCAGCCATCCCAGG[C>G]AGGCGAGTGTTGCTCTGCAGACCCAGAATCACAGCCTTGGCCTCCCTCTGGGTGCTCAGG-3'
Protein context (NP_065194.3, residues 844-864): DSGSAEQHSP[Ala854Pro]WDGWNRPGLL

ClinVar aggregate classification (germline): Uncertain significance (1 of 4 stars; one submission).

Allele frequency attached by ClinVar (database versions not stated): gnomAD exomes below 0.00001; gnomAD 0.00001.
gnomAD v4.1: 3 of 1,510,842 alleles (0.0002%); highest among the groups gnomAD compares: Admixed American, 0.0068%; no homozygotes.

Submission:

Labcorp Genetics (formerly Invitae), Labcorp
Classification: Uncertain significance. Last evaluated: 2022-07-12. Review status: criteria provided, single submitter. Criteria: Invitae Variant Classification Sherloc (09022015). Collection method: clinical testing. Allele origin: germline.
Comment: This variant is not present in population databases (gnomAD no frequency). This sequence change replaces alanine, which is neutral and non-polar, with proline, which is neutral and non-polar, at codon 854 of the TUBGCP6 protein (p.Ala854Pro). This variant has not been reported in the literature in individuals affected with TUBGCP6-related conditions. Algorithms developed to predict the effect of missense changes on protein structure and function (SIFT, PolyPhen-2, Align-GVGD) all suggest that this variant is likely to be tolerated. In summary, the available evidence is currently insufficient to determine the role of this variant in disease. Therefore, it has been classified as a Variant of Uncertain Significance.